The following is an entry in ClinVar:

NM_144997.7(FLCN):c.1219A>G (p.Ser407Gly)

Gene: FLCN (folliculin; minus strand). Cytogenetic location: 17p11.2.
Variant type: single nucleotide variant.
Coding change: c.1219A>G on transcript NM_144997.7 (MANE Select); coding-DNA position 1219, A replaced by G.
Protein change: p.Ser407Gly; replaces serine 407 with glycine.
Molecular consequence: missense variant.
Genome position (GRCh38, 1-based): chr17:17,216,461, T>C on the plus strand (A>G on the coding strand, the complement: FLCN is on the minus strand). VCF-style: chr17-17216461-T-C. GRCh37 (hg19) VCF-style: chr17-17119775-T-C.
Other names: c.1219A>G (NM_144997.5); c.1273A>G, p.Ser425Gly (NM_001353229.2); c.1219A>G, p.Ser407Gly (NM_001353230.2, NM_001353231.2); short protein forms S407G, S425G.
Identifiers: ClinVar variation 1038521 (VCV001038521.8), dbSNP rs1352297460, ClinGen allele CA398531874.
Genomic context (GRCh38, chr17:17,216,461, plus strand): 5'-GGATCTGCACGTGCGGGCTGAGCCCCAGGAAGTTGCACCGATAGGCCTCCTCGTACTGGC[T>C]GCTGTATGGGATGATGCGGACGCAGCCCACGGGAAGCATGGTCTGAGGAGGACAGCAGGA-3'
Protein context (NP_659434.2, residues 397-417): VGCVRIIPYS[Ser407Gly]QYEEAYRCNF

ClinVar aggregate classification (germline): Uncertain significance. Review status: criteria provided, multiple submitters, no conflicts (2 of 4 stars). 2 submissions from 2 submitters: Uncertain significance (2). Last evaluated 2025-09-04.

Conditions:
Hereditary cancer-predisposing syndrome. Also called: Neoplastic Syndromes, Hereditary; Hereditary Cancer Syndrome; Tumor predisposition; Hereditary neoplastic syndrome. Identifiers: Orphanet 140162, MedGen C0027672, MeSH D009386, MONDO:0015356.
Birt-Hogg-Dube syndrome. Also called: Birt Hogg Dubé syndrome. Identifiers: Orphanet 122, MedGen C0346010, MONDO:0800444.

Submissions (2):

Ambry Genetics
Classification: Uncertain significance for Hereditary cancer-predisposing syndrome. Last evaluated: 2025-09-04. Review status: criteria provided, single submitter. Criteria: Ambry Variant Classification Scheme 2023. Collection method: clinical testing. Allele origin: germline.
Comment: The p.S407G variant (also known as c.1219A>G), located in coding exon 8 of the FLCN gene, results from an A to G substitution at nucleotide position 1219. The serine at codon 407 is replaced by glycine, an amino acid with similar properties. This amino acid position is conserved. In addition, this alteration is predicted to be tolerated by in silico analysis. Since supporting evidence is limited at this time, the clinical significance of this alteration remains unclear.

Labcorp Genetics (formerly Invitae), Labcorp
Classification: Uncertain significance for Birt-Hogg-Dube syndrome. Last evaluated: 2023-08-17. Review status: criteria provided, single submitter. Criteria: Invitae Variant Classification Sherloc (09022015). Collection method: clinical testing. Allele origin: germline.
Comment: In summary, the available evidence is currently insufficient to determine the role of this variant in disease. Therefore, it has been classified as a Variant of Uncertain Significance. Advanced modeling of protein sequence and biophysical properties (such as structural, functional, and spatial information, amino acid conservation, physicochemical variation, residue mobility, and thermodynamic stability) performed at Invitae indicates that this missense variant is not expected to disrupt FLCN protein function. ClinVar contains an entry for this variant (Variation ID: 1038521). This variant has not been reported in the literature in individuals affected with FLCN-related conditions. This variant is not present in population databases (gnomAD no frequency). This sequence change replaces serine, which is neutral and polar, with glycine, which is neutral and non-polar, at codon 407 of the FLCN protein (p.Ser407Gly).